The following is an entry in ClinVar:

NM_021252.5(RAB18):c.*2529G>A

Gene: RAB18 (RAB18, member RAS oncogene family; plus strand). Cytogenetic location: 10p12.1.
Variant type: single nucleotide variant.
Coding change: c.*2529G>A on transcript NM_021252.5 (MANE Select); 2529 bases downstream of the stop codon, G replaced by A.
Molecular consequence: 3 prime UTR variant. On other transcripts: non-coding transcript variant (1).
Genome position (GRCh38, 1-based): chr10:27,540,580, G>A. VCF-style: chr10-27540580-G-A. GRCh37 (hg19) VCF-style: chr10-27829509-G-A.
Other names: c.*2529G>A (NM_001256410.2, NM_001256412.2); c.*2489G>A (NM_001256411.2).
Identifiers: ClinVar variation 299858 (VCV000299858.5), dbSNP rs145293804, ClinGen allele CA5452549.

ClinVar aggregate classification (germline): Benign (1 of 4 stars; one submission).

Conditions:
Warburg micro syndrome 3 (WARBM3). Also called: MICRO SYNDROME 3. Identifiers: Orphanet 2510, MedGen C3280203, MONDO:0013638, OMIM 614222.

Allele frequency attached by ClinVar (database versions not stated): ExAC 0.00121; TOPMed 0.00179; gnomAD exomes 0.00234 and 0.00466; gnomAD 0.00250 and 0.00301; 1000 Genomes Project 30x 0.01140; 1000 Genomes Project 0.01238.
gnomAD v4.1: 1,205 of 454,098 alleles (0.27%); highest among the groups gnomAD compares: East Asian, 4.3%; 26 homozygotes.

Submission:

Illumina Laboratory Services, Illumina
Classification: Benign for Warburg micro syndrome 3. Last evaluated: 2018-01-13. Review status: criteria provided, single submitter. Criteria: ICSL Variant Classification Criteria 13 December 2019. Collection method: clinical testing. Allele origin: germline.
Comment: This variant was observed in the ICSL laboratory as part of a predisposition screen in an ostensibly healthy population. It had not been previously curated by ICSL or reported in the Human Gene Mutation Database (HGMD: prior to June 1st, 2018), and was therefore a candidate for classification through an automated scoring system. Utilizing variant allele frequency, disease prevalence and penetrance estimates, and inheritance mode, an automated score was calculated to assess if this variant is too frequent to cause the disease. Based on the score and internal cut-off values, a variant classified as benign is not then subjected to further curation. The score for this variant resulted in a classification of benign for this disease.